The following is an entry in ClinVar:

ClinVar aggregate classification (germline): Uncertain significance. Review status: criteria provided, multiple submitters, no conflicts (2 of 4 stars). 5 submissions from 5 submitters: Uncertain significance (5). Last evaluated 2025-01-10.

Conditions:
Autosomal recessive hypophosphatemic bone disease (HHRH). Also called: Hypophosphatemic rickets with hypercalciuria; HYPERCALCIURIC RICKETS. Identifiers: Orphanet 157215, MedGen C1853271, MONDO:0009431, OMIM 241530.

Allele frequency attached by ClinVar (database versions not stated): TOPMed 0.00007; gnomAD 0.00009; ExAC 0.00023; 1000 Genomes Project 30x 0.00047; 1000 Genomes Project 0.00060.

Submissions (5):

Labcorp Genetics (formerly Invitae), Labcorp
Classification: Uncertain significance. Last evaluated: 2025-01-10. Review status: criteria provided, single submitter. Criteria: Invitae Variant Classification Sherloc (09022015). Collection method: clinical testing. Allele origin: germline.
Comment: This sequence change replaces arginine, which is basic and polar, with cysteine, which is neutral and slightly polar, at codon 564 of the SLC34A3 protein (p.Arg564Cys). This variant is present in population databases (rs561825324, gnomAD 0.1%). This missense change has been observed in individual(s) with clinical features of hypophosphatemic rickets with hypercalciuria (PMID: 17968493). This variant is also known as c.1689C>T. ClinVar contains an entry for this variant (Variation ID: 2046088). Invitae Evidence Modeling of protein sequence and biophysical properties (such as structural, functional, and spatial information, amino acid conservation, physicochemical variation, residue mobility, and thermodynamic stability) indicates that this missense variant is not expected to disrupt SLC34A3 protein function with a negative predictive value of 80%. Experimental studies have shown that this missense change affects SLC34A3 function (PMID: 22159077). In summary, the available evidence is currently insufficient to determine the role of this variant in disease. Therefore, it has been classified as a Variant of Uncertain Significance.

Women's Health and Genetics/Laboratory Corporation of America, LabCorp
Classification: Uncertain significance. Last evaluated: 2024-08-07. Review status: criteria provided, single submitter. Criteria: LabCorp Variant Classification Summary - May 2015. Collection method: clinical testing. Allele origin: germline.
Comment: Variant summary: SLC34A3 c.1690C>T (p.Arg564Cys) results in a non-conservative amino acid change in the encoded protein sequence. Three of five in-silico tools predict a damaging effect of the variant on protein function. The variant allele was found at a frequency of 0.00015 in 148764 control chromosomes (gnomAD). This frequency is not significantly higher than estimated for a pathogenic variant in SLC34A3 causing Hereditary Hypophosphatemic Rickets With Hypercalciuria (0.00015 vs 0.0018), allowing no conclusion about variant significance. c.1690C>T has been reported in the literature in heterozygous individuals affected with Hereditary Hypophosphatemic Rickets With Hypercalciuria without a second variant identified (Yamamoto_2007). These reports do not provide unequivocal conclusions about association of the variant with Hereditary Hypophosphatemic Rickets With Hypercalciuria. At least one publication reports experimental evidence evaluating an impact on protein function. The most pronounced variant effect results in >50%-90% of normal transport activity (Haito-Sugino_2012). The following publications have been ascertained in the context of this evaluation (PMID: 17968493, 22159077). ClinVar contains an entry for this variant (Variation ID: 2046088). Based on the evidence outlined above, the variant was classified as uncertain significance.

Fulgent Genetics
Classification: Uncertain significance for Autosomal recessive hypophosphatemic bone disease. Last evaluated: 2024-06-18. Review status: criteria provided, single submitter. Criteria: ACMG Guidelines, 2015. Collection method: clinical testing. Allele origin: germline.

Revvity Omics, Revvity
Classification: Uncertain significance for Autosomal recessive hypophosphatemic bone disease. Last evaluated: 2023-11-07. Review status: criteria provided, single submitter. Criteria: ACMG Guidelines, 2015. Collection method: clinical testing. Allele origin: germline.

Blueprint Genetics
Classification: Uncertain significance. Last evaluated: 2023-10-03. Review status: criteria provided, single submitter. Criteria: ACMG Guidelines, 2015. Collection method: clinical testing. Allele origin: germline.

Literature cited by the submitters: PubMed 17968493 (cited by Labcorp Genetics (formerly Invitae), Labcorp and Women's Health and Genetics/Laboratory Corporation of America, LabCorp); PubMed 22159077 (cited by Labcorp Genetics (formerly Invitae), Labcorp and Women's Health and Genetics/Laboratory Corporation of America, LabCorp).

NM_001177316.2(SLC34A3):c.1690C>T (p.Arg564Cys)

Gene: SLC34A3 (solute carrier family 34 member 3; plus strand). Cytogenetic location: 9q34.3.
Variant type: single nucleotide variant.
Coding change: c.1690C>T on transcript NM_001177316.2 (MANE Select); coding-DNA position 1690, C replaced by T.
Protein change: p.Arg564Cys; replaces arginine 564 with cysteine.
Molecular consequence: missense variant.
Genome position (GRCh38, 1-based): chr9:137,236,306, C>T. VCF-style: chr9-137236306-C-T. GRCh37 (hg19) VCF-style: chr9-140130758-C-T.
Other names: c.1690C>T, p.Arg564Cys (NM_001177317.2, NM_080877.3); c.1690C>T (NM_080877.2); short protein forms R564C.
Identifiers: ClinVar variation 2046088 (VCV002046088.8), dbSNP rs561825324, ClinGen allele CA5365028.